The following is an entry in ClinVar:

NM_002334.4(LRP4):c.1733G>A (p.Arg578His)

Gene: LRP4 (LDL receptor related protein 4; minus strand). Cytogenetic location: 11p11.2.
Variant type: single nucleotide variant.
Coding change: c.1733G>A on transcript NM_002334.4 (MANE Select); coding-DNA position 1733, G replaced by A.
Protein change: p.Arg578His; replaces arginine 578 with histidine.
Molecular consequence: missense variant.
Genome position (GRCh38, 1-based): chr11:46,890,459, C>T on the plus strand (G>A on the coding strand, the complement: LRP4 is on the minus strand). VCF-style: chr11-46890459-C-T. GRCh37 (hg19) VCF-style: chr11-46912010-C-T.
Other names: short protein forms R578H.
Identifiers: ClinVar variation 2172639 (VCV002172639.1), dbSNP rs138301752, ClinGen allele CA5970066.
Genomic context (GRCh38, chr11:46,890,459, plus strand): 5'-AAGAGATGGGTATCGGCAATGATGCGGCGTCCAGAGCCATCCATGCTGGAGGCCTCAATA[C>T]GGGGGGTGTTGCCCCAGTCTGTCCAGTAAATGGTACTAGGAAGAGAAAAGTAAATTGGGA-3'
Protein context (NP_002325.2, residues 568-588): IYWTDWGNTP[Arg578His]IEASSMDGSG

ClinVar aggregate classification (germline): Uncertain significance (1 of 4 stars; one submission).

Conditions:
Cenani-Lenz syndactyly syndrome. Also called: SYNDACTYLY, TYPE VII; CENANI SYNDACTYLISM. Identifiers: Orphanet 3258, MedGen C1859309, MONDO:0008931, OMIM 212780.
Sclerosteosis 2 (SOST2). Identifiers: Orphanet 3152, MedGen C3280402, MONDO:0013679, OMIM 614305.
Congenital myasthenic syndrome 17. Identifiers: Orphanet 590, MedGen C4225377, MONDO:0014578, OMIM 616304.

Allele frequency attached by ClinVar (database versions not stated): ESP Exome Variant Server 0.00008; TOPMed 0.00002; ExAC 0.00003; gnomAD 0.00003; gnomAD exomes 0.00003.
gnomAD v4.1: 44 of 1,613,826 alleles (0.0027%); highest among the groups gnomAD compares: Non-Finnish European, 0.0034%; no homozygotes.

Submission:

Labcorp Genetics (formerly Invitae), Labcorp
Classification: Uncertain significance for Cenani-Lenz syndactyly syndrome; Sclerosteosis 2; Congenital myasthenic syndrome 17. Last evaluated: 2022-02-14. Review status: criteria provided, single submitter. Criteria: Invitae Variant Classification Sherloc (09022015). Collection method: clinical testing. Allele origin: germline.
Comment: This sequence change replaces arginine, which is basic and polar, with histidine, which is basic and polar, at codon 578 of the LRP4 protein (p.Arg578His). This variant is present in population databases (rs138301752, gnomAD 0.005%). This variant has not been reported in the literature in individuals affected with LRP4-related conditions. Algorithms developed to predict the effect of missense changes on protein structure and function (SIFT, PolyPhen-2, Align-GVGD) all suggest that this variant is likely to be disruptive. In summary, the available evidence is currently insufficient to determine the role of this variant in disease. Therefore, it has been classified as a Variant of Uncertain Significance.